The following is an entry in ClinVar:

NM_001369.3(DNAH5):c.889_890insACCTG (p.Phe297fs)

Gene: DNAH5 (dynein axonemal heavy chain 5; minus strand). Cytogenetic location: 5p15.2.
Variant type: Insertion.
Coding change: c.889_890insACCTG on transcript NM_001369.3 (MANE Select); coding-DNA positions 889 to 890, ACCTG inserted.
Protein change: p.Phe297fs; shifts the reading frame from phenylalanine 297.
Molecular consequence: frameshift variant.
Genome position: GRCh38 VCF-style: chr5-13919261-A-ACAGGT. GRCh37 (hg19) VCF-style: chr5-13919370-A-ACAGGT.
Other names: short protein forms F297fs.
Identifiers: ClinVar variation 5010796 (VCV005010796.1).
Genomic context (GRCh38, chr5:13,919,261, plus strand): 5'-GCAAGCACTGCCAGCACAGCCTTCACATCCGGGCTTTTCAATTGTTCCAAAAGGTAGTTA[A>ACAGGT]ACTTGGAGAGTCTTTTTTTCCAGTGCTCCAGCTCCGCTCGTGGCCCAACGTCATCCGCTT-3'

ClinVar aggregate classification (germline): Pathogenic (1 of 4 stars; one submission).

Conditions:
Primary ciliary dyskinesia 3. Identifiers: Orphanet 244, MedGen C1837618, MONDO:0012085, OMIM 608644.

Submission:

Myriad Genetics, Inc.
Classification: Pathogenic for Primary ciliary dyskinesia 3. Last evaluated: 2024-05-14. Review status: criteria provided, single submitter. Criteria: Myriad Autosomal Dominant, Autosomal Recessive and X-Linked Classification Criteria (2023). Collection method: clinical testing. Allele origin: unknown.
Comment: NM_001369.2(DNAH5):c.889_890ins5(F297Yfs*10) is expected to be pathogenic in the context of primary ciliary dyskinesia, DNAH5-related. This variant is predicted to lead to an abnormal or absent protein product due to the creation of a premature termination codon in DNAH5, a gene where loss-of-function variants are known to be pathogenic. Please note: this variant was assessed in the context of healthy population screening.